The following is an entry in ClinVar:

ClinVar aggregate classification (germline): Uncertain significance (1 of 4 stars; one submission).

Conditions:
Cardiovascular phenotype. Identifiers: MedGen CN230736.

Submission:

Ambry Genetics
Classification: Uncertain significance for Cardiovascular phenotype. Last evaluated: 2019-03-19. Review status: criteria provided, single submitter. Criteria: Ambry Variant Classification Scheme 2023. Collection method: clinical testing. Allele origin: germline.
Comment: The p.P24A variant (also known as c.70C>G), located in coding exon 2 of the NEXN gene, results from a C to G substitution at nucleotide position 70. The proline at codon 24 is replaced by alanine, an amino acid with highly similar properties. This amino acid position is highly conserved in available vertebrate species. In addition, the in silico prediction for this alteration is inconclusive. Since supporting evidence is limited at this time, the clinical significance of this alteration remains unclear.

NM_144573.4(NEXN):c.70C>G (p.Pro24Ala)

Gene: NEXN (nexilin F-actin binding protein; plus strand). Cytogenetic location: 1p31.1.
Variant type: single nucleotide variant.
Coding change: c.70C>G on transcript NM_144573.4 (MANE Select); coding-DNA position 70, C replaced by G.
Protein change: p.Pro24Ala; replaces proline 24 with alanine.
Molecular consequence: missense variant. On other transcripts: intron variant (1).
Genome position (GRCh38, 1-based): chr1:77,917,608, C>G. VCF-style: chr1-77917608-C-G. GRCh37 (hg19) VCF-style: chr1-78383293-C-G.
Other names: c.28-352C>G (NM_001172309.2); short protein forms P24A.
Identifiers: ClinVar variation 1757161 (VCV001757161.2), dbSNP rs1160083243, ClinGen allele CA340885125.